The following is an entry in ClinVar:

ClinVar aggregate classification (germline): Conflicting classifications of pathogenicity. Review status: criteria provided, conflicting classifications (1 of 4 stars). 2 submissions from 2 submitters: Likely pathogenic (1); Uncertain significance (1). Last evaluated 2025-12-15.

Conditions:
Hereditary cancer-predisposing syndrome. Also called: Tumor predisposition; Hereditary Cancer Syndrome; Hereditary neoplastic syndrome; Neoplastic Syndromes, Hereditary. Identifiers: Orphanet 140162, MedGen C0027672, MeSH D009386, MONDO:0015356.
Hereditary breast ovarian cancer syndrome. Also called: Hereditary breast and/or ovarian cancer syndrome; BRCA1- and BRCA2-Associated Hereditary Breast and Ovarian Cancer; Hereditary breast and ovarian cancer syndrome; Hereditary breast and ovarian cancer; Hereditary breast and ovarian cancer syndrome (HBOC); Breast and ovarian cancer. Identifiers: Orphanet 145, MedGen C0677776, MeSH D061325, MONDO:0003582. Disease mechanism: loss of function.

Submissions (3):

Ambry Genetics
Classification: Likely pathogenic for Hereditary cancer-predisposing syndrome. Last evaluated: 2025-12-15. Review status: criteria provided, single submitter. Criteria: Ambry Variant Classification Scheme 2023. Collection method: clinical testing. Allele origin: germline.
Comment: The p.F93S variant (also known as c.278T>C), located in coding exon 4 of the BRCA1 gene, results from a T to C substitution at nucleotide position 278. The phenylalanine at codon 93 is replaced by serine, an amino acid with highly dissimilar properties. Protein functional studies have demonstrated that this variant is non-functional (Findlay GM et al. Nature, 2018 Oct;562:217-222; Starita LM et al. Genetics, 2015 Jun;200:413-22; Clark, KA et al. Am J Hum Genet 2022 Jun;109(6):1153-1174.). This amino acid position is highly conserved in available vertebrate species. In addition, this alteration is predicted to be deleterious by in silico analysis. This variant is considered to be rare based on population cohorts in the Genome Aggregation Database (gnomAD). Based on the majority of available evidence to date, this variant is likely to be pathogenic.

Labcorp Genetics (formerly Invitae), Labcorp
Classification: Uncertain significance for Hereditary breast ovarian cancer syndrome. Last evaluated: 2025-06-04. Review status: criteria provided, single submitter. Criteria: Invitae Variant Classification Sherloc (09022015). Collection method: clinical testing. Allele origin: germline.
Comment: This sequence change replaces phenylalanine, which is neutral and non-polar, with serine, which is neutral and polar, at codon 93 of the BRCA1 protein (p.Phe93Ser). This variant is not present in population databases (gnomAD no frequency). This variant has not been reported in the literature in individuals affected with BRCA1-related conditions. ClinVar contains an entry for this variant (Variation ID: 865360). Invitae Evidence Modeling incorporating data from in vitro experimental studies (PMID: 30209399) indicates that this missense variant is expected to disrupt BRCA1 function with a positive predictive value of 95%. Algorithms developed to predict the effect of sequence changes on RNA splicing suggest that this variant may create or strengthen a splice site. In summary, the available evidence is currently insufficient to determine the role of this variant in disease. Therefore, it has been classified as a Variant of Uncertain Significance.

Brotman Baty Institute, University of Washington
No classification provided (evidence only). Condition: Breast-ovarian cancer, familial 1. Review status: no classification provided. Collection method: in vitro. Allele origin: not applicable. Functional consequence: functionally_abnormal. Not counted in ClinVar's aggregate classification.
ClinVar note: "not provided" was previously submitted as the classification for the variant. However, the classification appeared to be based only on an observation of functional data so it was converted to no classification on 2025-07-30.

Literature cited by the submitters: PubMed 25823446 (cited by Ambry Genetics); PubMed 30209399 (cited by Ambry Genetics and Labcorp Genetics (formerly Invitae), Labcorp); PubMed 35659930 (cited by Ambry Genetics).

NM_007294.4(BRCA1):c.278T>C (p.Phe93Ser)

Gene: BRCA1 (BRCA1 DNA repair associated; minus strand). Cytogenetic location: 17q21.31.
Variant type: single nucleotide variant.
Coding change: c.278T>C on transcript NM_007294.4 (MANE Select); coding-DNA position 278, T replaced by C.
Protein change: p.Phe93Ser; replaces phenylalanine 93 with serine.
Molecular consequence: missense variant. On other transcripts: non-coding transcript variant (1).
Genome position (GRCh38, 1-based): chr17:43,104,891, A>G on the plus strand (T>C on the coding strand, the complement: BRCA1 is on the minus strand). VCF-style: chr17-43104891-A-G. GRCh37 (hg19) VCF-style: chr17-41256908-A-G.
Other names: c.137T>C, p.Phe46Ser (NM_001407737.1, NM_001407738.1, NM_001407739.1 and 99 more transcripts); c.68T>C, p.Phe23Ser (NM_001407853.1, NM_001407879.1, NM_001407881.1 and 58 more transcripts); c.278T>C, p.Phe93Ser (NM_001407854.1, NM_001407858.1, NM_001407859.1 and 168 more transcripts); c.200T>C, p.Phe67Ser (NM_001407862.1, NM_001407874.1, NM_001407875.1 and 21 more transcripts); c.-104T>C (NM_001407959.1, NM_001407960.1, NM_001407962.1 and 4 more transcripts); c.146T>C, p.Phe49Ser (NM_001408451.1); short protein forms F46S, F93S, F67S, F23S, F49S.
Identifiers: ClinVar variation 865360 (VCV000865360.6), dbSNP rs2054677399, ClinGen allele CA10601599.